The following is an entry in ClinVar:

NM_002968.3(SALL1):c.3916G>C (p.Gly1306Arg)

Gene: SALL1 (spalt like transcription factor 1; minus strand). Cytogenetic location: 16q12.1.
Variant type: single nucleotide variant.
Coding change: c.3916G>C on transcript NM_002968.3 (MANE Select); coding-DNA position 3916, G replaced by C.
Protein change: p.Gly1306Arg; replaces glycine 1306 with arginine.
Molecular consequence: missense variant.
Genome position (GRCh38, 1-based): chr16:51,137,171, C>G on the plus strand (G>C on the coding strand, the complement: SALL1 is on the minus strand). VCF-style: chr16-51137171-C-G. GRCh37 (hg19) VCF-style: chr16-51171082-C-G.
Other names: c.3625G>C, p.Gly1209Arg (NM_001127892.2); short protein forms G1209R, G1306R.
Identifiers: ClinVar variation 5020332 (VCV005020332.1).

ClinVar aggregate classification (germline): Uncertain significance (1 of 4 stars; one submission).

gnomAD v4.1: 2 of 1,614,104 alleles (0.00012%); highest among the groups gnomAD compares: Non-Finnish European, 0.00017%; no homozygotes.

Submission:

Dasa
Classification: Uncertain significance. Last evaluated: 2026-06-21. Review status: criteria provided, single submitter. Criteria: DASA Assertion Criteria. Collection method: clinical testing. Allele origin: germline.
Comment: NM_002968.3(SALL1):c.3916G>C (p.Gly1306Arg) is a missense variant that results in the substitution of glycine with arginine. This variant is rare in population databases. Computational prediction algorithms are consistent with a benign effect. The currently available literature and clinical evidence are not sufficient to establish a definitive association between this variant and the reported condition. Therefore, this variant is classified as a variant of uncertain significance.